The following is an entry in ClinVar:

NM_002335.4(LRP5):c.807dup (p.Lys270fs)

Gene: LRP5 (LDL receptor related protein 5; plus strand). Cytogenetic location: 11q13.2.
Variant type: Duplication.
Coding change: c.807dup on transcript NM_002335.4 (MANE Select); coding-DNA position 807, one base duplicated (G; older notation c.807dupG).
Protein change: p.Lys270fs; shifts the reading frame from lysine 270.
Molecular consequence: frameshift variant. On other transcripts: 5 prime UTR variant (1).
Genome position (GRCh38, 1-based): chr11:68,363,867, G duplicated; the last of 6 consecutive G bases (chr11:68,363,862-68,363,867); duplicating any one gives the same sequence. VCF-style (leftmost placement, unchanged base first): chr11-68363861-T-TG. GRCh37 (hg19) VCF-style: chr11-68131329-T-TG.
Other names: c.-959dup (NM_001291902.2); short protein forms K270fs.
Identifiers: ClinVar variation 4995139 (VCV004995139.1).

ClinVar aggregate classification (germline): Likely pathogenic (1 of 4 stars; one submission).

Conditions:
LRP5-related disorder. Also called: LRP5-related condition.

Submission:

PreventionGenetics, part of Exact Sciences
Classification: Likely pathogenic for LRP5-related condition. Last evaluated: 2026-07-16. Review status: criteria provided, single submitter. Criteria: ACMG Guidelines, 2015. Collection method: clinical testing. Allele origin: germline.
Comment: The LRP5 c.807dupG variant is predicted to result in a frameshift and premature protein termination (p.Lys270Glufs*31). To our knowledge, this variant has not been reported in the literature. This variant is absent from one large public population database (gnomAD), indicating that this variant is rare in the general population. Frameshift variants in LRP5 are expected to be pathogenic. This variant is interpreted as likely pathogenic.